The following is an entry in ClinVar:

ClinVar aggregate classification (germline): Uncertain significance (1 of 4 stars; one submission).

Conditions:
Arrhythmogenic right ventricular dysplasia 12. Also called: ARRHYTHMOGENIC RIGHT VENTRICULAR DYSPLASIA, FAMILIAL, 12. Identifiers: MedGen C1969081, MONDO:0012684, OMIM 611528.
Naxos disease (NXD). Also called: WOOLLY HAIR, PALMOPLANTAR KERATODERMA, AND CARDIAC ABNORMALITIES; CARDIOMYOPATHY, ARRHYTHMOGENIC RIGHT VENTRICULAR, WITH SKIN, HAIR, AND NAIL ABNORMALITIES; KERATOSIS PALMOPLANTARIS WITH ARRHYTHMOGENIC CARDIOMYOPATHY; MAL DE NAXOS; PALMOPLANTAR KERATODERMA WITH ARRHYTHMOGENIC RIGHT VENTRICULAR CARDIOMYOPATHY AND WOOLLY HAIR. Identifiers: Orphanet 34217, MedGen C1832600, MONDO:0011017, OMIM 601214.

Allele frequency attached by ClinVar (database versions not stated): gnomAD exomes below 0.00001.
gnomAD v4.1: 4 of 1,614,214 alleles (0.00025%); highest among the groups gnomAD compares: Non-Finnish European, 0.00034%; no homozygotes.

Submission:

Labcorp Genetics (formerly Invitae), Labcorp
Classification: Uncertain significance for Arrhythmogenic right ventricular dysplasia 12; Naxos disease. Last evaluated: 2020-10-19. Review status: criteria provided, single submitter. Criteria: Invitae Variant Classification Sherloc (09022015). Collection method: clinical testing. Allele origin: germline.
Comment: Algorithms developed to predict the effect of sequence changes on RNA splicing suggest that this variant may create or strengthen a splice site, but this prediction has not been confirmed by published transcriptional studies. Algorithms developed to predict the effect of missense changes on protein structure and function are either unavailable or do not agree on the potential impact of this missense change (SIFT: "Deleterious"; PolyPhen-2: "Benign"; Align-GVGD: "Class C0"). This variant has not been reported in the literature in individuals with JUP-related conditions. This variant is not present in population databases (ExAC no frequency). This sequence change replaces aspartic acid with valine at codon 449 of the JUP protein (p.Asp449Val). The aspartic acid residue is moderately conserved and there is a large physicochemical difference between aspartic acid and valine. In summary, the available evidence is currently insufficient to determine the role of this variant in disease. Therefore, it has been classified as a Variant of Uncertain Significance.

NM_002230.4(JUP):c.1346A>T (p.Asp449Val)

Gene: JUP (junction plakoglobin; minus strand). Cytogenetic location: 17q21.2.
Variant type: single nucleotide variant.
Coding change: c.1346A>T on transcript NM_002230.4 (MANE Select); coding-DNA position 1346, A replaced by T.
Protein change: p.Asp449Val; replaces aspartic acid 449 with valine.
Molecular consequence: missense variant.
Genome position (GRCh38, 1-based): chr17:41,763,134, T>A on the plus strand (A>T on the coding strand, the complement: JUP is on the minus strand). VCF-style: chr17-41763134-T-A. GRCh37 (hg19) VCF-style: chr17-39919386-T-A.
Other names: c.1346A>T, p.Asp449Val (NM_001352773.2, NM_001352774.2, NM_001352775.2 and 3 more transcripts); short protein forms D449V.
Identifiers: ClinVar variation 1007590 (VCV001007590.9), dbSNP rs1174382765, ClinGen allele CA399496924.